The following is an entry in ClinVar:

ClinVar aggregate classification (germline): Uncertain significance (1 of 4 stars; one submission).

Allele frequency attached by ClinVar (database versions not stated): TOPMed below 0.00001.

Submission:

Ambry Genetics
Classification: Uncertain significance. Last evaluated: 2023-02-24. Review status: criteria provided, single submitter. Criteria: Ambry Variant Classification Scheme 2023. Collection method: clinical testing. Allele origin: germline.
Comment: The p.L1010V variant (also known as c.3028C>G), located in coding exon 26 of the PRKDC gene, results from a C to G substitution at nucleotide position 3028. The leucine at codon 1010 is replaced by valine, an amino acid with highly similar properties. This amino acid position is conserved. In addition, this alteration is predicted to be tolerated by in silico analysis. Since supporting evidence is limited at this time, the clinical significance of this alteration remains unclear.

NM_006904.7(PRKDC):c.3028C>G (p.Leu1010Val)

Gene: PRKDC (protein kinase, DNA-activated, catalytic subunit; minus strand). Cytogenetic location: 8q11.21.
Variant type: single nucleotide variant.
Coding change: c.3028C>G on transcript NM_006904.7 (MANE Select); coding-DNA position 3028, C replaced by G.
Protein change: p.Leu1010Val; replaces leucine 1010 with valine.
Molecular consequence: missense variant.
Genome position (GRCh38, 1-based): chr8:47,904,883, G>C on the plus strand (C>G on the coding strand, the complement: PRKDC is on the minus strand). VCF-style: chr8-47904883-G-C. GRCh37 (hg19) VCF-style: chr8-48817443-G-C.
Other names: c.3028C>G, p.Leu1010Val (NM_001081640.2); short protein forms L1010V.
Identifiers: ClinVar variation 2449894 (VCV002449894.2), dbSNP rs2089746526, ClinGen allele CA371157235.